The following is an entry in ClinVar:

NM_002485.5(NBN):c.123C>G (p.Ile41Met)

Gene: NBN (nibrin; minus strand). Cytogenetic location: 8q21.3.
Variant type: single nucleotide variant.
Coding change: c.123C>G on transcript NM_002485.5 (MANE Select); coding-DNA position 123, C replaced by G.
Protein change: p.Ile41Met; replaces isoleucine 41 with methionine.
Molecular consequence: missense variant. On other transcripts: 5 prime UTR variant (1).
Genome position (GRCh38, 1-based): chr8:89,982,770, G>C on the plus strand (C>G on the coding strand, the complement: NBN is on the minus strand). VCF-style: chr8-89982770-G-C. GRCh37 (hg19) VCF-style: chr8-90994998-G-C.
Other names: c.-174C>G (NM_001024688.3); short protein forms I41M.
Identifiers: ClinVar variation 1479103 (VCV001479103.8), dbSNP rs887413615, ClinGen allele CA371663095.

ClinVar aggregate classification (germline): Uncertain significance (1 of 4 stars; one submission).

Conditions:
Microcephaly, normal intelligence and immunodeficiency (NBS). Also called: Nijmegen breakage syndrome; Microcephaly with normal intelligence immunodeficiency and lymphoreticular malignancies; Nonsyndromal microcephaly autosomal recessive with normal intelligence; Seemanova syndrome 2; IMMUNODEFICIENCY, MICROCEPHALY, AND CHROMOSOMAL INSTABILITY; SEEMANOVA SYNDROME II. Identifiers: Orphanet 647, MedGen C0398791, MONDO:0009623, OMIM 251260.

Submission:

Labcorp Genetics (formerly Invitae), Labcorp
Classification: Uncertain significance for Microcephaly, normal intelligence and immunodeficiency. Last evaluated: 2021-05-28. Review status: criteria provided, single submitter. Criteria: Invitae Variant Classification Sherloc (09022015). Collection method: clinical testing. Allele origin: germline.
Comment: In summary, the available evidence is currently insufficient to determine the role of this variant in disease. Therefore, it has been classified as a Variant of Uncertain Significance. Algorithms developed to predict the effect of missense changes on protein structure and function are either unavailable or do not agree on the potential impact of this missense change (SIFT: "Deleterious"; PolyPhen-2: "Probably Damaging"; Align-GVGD: "Class C0"). This variant has not been reported in the literature in individuals with NBN-related conditions. This variant is not present in population databases (ExAC no frequency). This sequence change replaces isoleucine with methionine at codon 41 of the NBN protein (p.Ile41Met). The isoleucine residue is highly conserved and there is a small physicochemical difference between isoleucine and methionine.